The following is an entry in ClinVar:

ClinVar aggregate classification (germline): Uncertain significance. Review status: criteria provided, multiple submitters, no conflicts (2 of 4 stars). 2 submissions from 2 submitters: Uncertain significance (2). Last evaluated 2025-12-23.

Conditions:
Anauxetic dysplasia. Identifiers: Orphanet 93347, MedGen C1846796, MONDO:0011773.

Allele frequency attached by ClinVar (database versions not stated): gnomAD 0.00009; ExAC 0.00022.

Submissions (2):

Women's Health and Genetics/Laboratory Corporation of America, LabCorp
Classification: Uncertain significance. Last evaluated: 2025-12-23. Review status: criteria provided, single submitter. Criteria: LabCorp Variant Classification Summary - May 2015. Collection method: clinical testing. Allele origin: germline.
Comment: Variant summary: RMRP n.-49C>T (also known as NC_000009.11: chr9:g.35658064G>A) is located in the untranscribed region upstream of the RMRP gene region. The variant allele was found at a frequency of 0.00013 in 616338 control chromosomes. This frequency is not significantly higher than estimated for disease-causing variants in RMRP, allowing no conclusion about variant significance. To our knowledge, no occurrence of n.-49C>T in individuals affected with RMRP-related conditions and no experimental evidence demonstrating its impact on protein function have been reported. ClinVar contains an entry for this variant (Variation ID: 2414256). Based on the evidence outlined above, the variant was classified as uncertain significance.

Labcorp Genetics (formerly Invitae), Labcorp
Classification: Uncertain significance for Anauxetic dysplasia. Last evaluated: 2025-10-14. Review status: criteria provided, single submitter. Criteria: Invitae Variant Classification Sherloc (09022015). Collection method: clinical testing. Allele origin: germline.
Comment: This variant occurs in the RMRP gene, which encodes an RNA molecule that does not result in a protein product. This variant is present in population databases (rs768701060, gnomAD 0.03%). This variant has not been reported in the literature in individuals affected with RMRP-related conditions. Experimental studies and prediction algorithms are not available or were not evaluated, and the functional significance of this variant is currently unknown. In summary, the available evidence is currently insufficient to determine the role of this variant in disease. Therefore, it has been classified as a Variant of Uncertain Significance.

NC_000009.12:g.35658067G>A

Gene: RMRP (RNA component of mitochondrial RNA processing endoribonuclease; minus strand). Cytogenetic location: 9p13.3.
Variant type: single nucleotide variant.
Genome position: GRCh38 VCF-style: chr9-35658067-G-A. GRCh37 (hg19) VCF-style: chr9-35658064-G-A.
Identifiers: ClinVar variation 2414256 (VCV002414256.9), dbSNP rs768701060, ClinGen allele CA5045900.